The following is an entry in ClinVar:

NM_020975.6(RET):c.294C>G (p.Asn98Lys)

Gene: RET (ret proto-oncogene; plus strand). Cytogenetic location: 10q11.21.
Variant type: single nucleotide variant.
Coding change: c.294C>G on transcript NM_020975.6 (MANE Select); coding-DNA position 294, C replaced by G.
Protein change: p.Asn98Lys; replaces asparagine 98 with lysine.
Molecular consequence: missense variant. On other transcripts: intron variant (4).
Genome position (GRCh38, 1-based): chr10:43,100,679, C>G. VCF-style: chr10-43100679-C-G. GRCh37 (hg19) VCF-style: chr10-43596127-C-G.
Other names: c.294C>G, p.Asn98Lys (NM_001406781.1, NM_001406782.1, NM_001406783.1 and 32 more transcripts); c.74-8352C>G (NM_001406784.1); c.74-11420C>G (NM_001406794.1, NM_001406792.1, NM_001406793.1); short protein forms N98K.
Identifiers: ClinVar variation 5028220 (VCV005028220.1).

ClinVar aggregate classification (germline): Uncertain significance (1 of 4 stars; one submission).

Conditions:
Hereditary cancer-predisposing syndrome. Also called: Neoplastic Syndromes, Hereditary; Tumor predisposition; Hereditary neoplastic syndrome; Hereditary Cancer Syndrome. Identifiers: Orphanet 140162, MedGen C0027672, MeSH D009386, MONDO:0015356.

Submission:

Ambry Genetics
Classification: Uncertain significance for Hereditary cancer-predisposing syndrome. Last evaluated: 2026-09-06. Review status: criteria provided, single submitter. Criteria: Ambry Variant Classification Scheme 2023. Collection method: clinical testing. Allele origin: germline.
Comment: The p.N98K variant (also known as c.294C>G), located in coding exon 2 of the RET gene, results from a C to G substitution at nucleotide position 294. The asparagine at codon 98 is replaced by lysine, an amino acid with similar properties. This amino acid position is conserved. In addition, this alteration is predicted to be tolerated by in silico analysis. Based on the available evidence, the clinical significance of this variant remains unclear.